The following is an entry in ClinVar:

NM_024757.5(EHMT1):c.2273T>C (p.Leu758Pro)

Gene: EHMT1 (euchromatic histone lysine methyltransferase 1; plus strand). Cytogenetic location: 9q34.3.
Variant type: single nucleotide variant.
Coding change: c.2273T>C on transcript NM_024757.5 (MANE Select); coding-DNA position 2273, T replaced by C.
Protein change: p.Leu758Pro; replaces leucine 758 with proline.
Molecular consequence: missense variant.
Genome position (GRCh38, 1-based): chr9:137,779,715, T>C. VCF-style: chr9-137779715-T-C. GRCh37 (hg19) VCF-style: chr9-140674167-T-C.
Other names: c.2273T>C, p.Leu758Pro (NM_001145527.2); c.2180T>C, p.Leu727Pro (NM_001354259.2); c.2252T>C, p.Leu751Pro (NM_001354263.2); short protein forms L727P, L751P, L758P.
Identifiers: ClinVar variation 3236900 (VCV003236900.1).

ClinVar aggregate classification (germline): Pathogenic (1 of 4 stars; one submission).

Conditions:
Kleefstra syndrome 1 (KLEFS1). Identifiers: Orphanet 261494, MedGen C0795833, MONDO:0027407, OMIM 610253.

Submission:

Laboratory of Genetics, Children's Clinical University Hospital Latvia
Classification: Pathogenic for Kleefstra syndrome 1. Review status: criteria provided, single submitter. Criteria: ACMG Guidelines, 2015. Collection method: curation. Allele origin: inherited. Affected: yes.

Literature cited by the submitters: PubMed 39013458.